The following is an entry in ClinVar:

ClinVar aggregate classification (germline): Uncertain significance (1 of 4 stars; one submission).

Conditions:
Lymphoproliferative syndrome 2 (LPFS2). Also called: CD27 DEFICIENCY; Combined immunodeficiency due to CD27 deficiency. Identifiers: Orphanet 238505, MedGen C3554540, MONDO:0014054, OMIM 615122.

Submission:

Labcorp Genetics (formerly Invitae), Labcorp
Classification: Uncertain significance for Lymphoproliferative syndrome 2. Last evaluated: 2021-01-19. Review status: criteria provided, single submitter. Criteria: Invitae Variant Classification Sherloc (09022015). Collection method: clinical testing. Allele origin: germline.
Comment: This variant results in a copy number gain of the genomic region encompassing exon(s) 3-4 of the CD27 gene. While the exact position of this variant cannot be determined from the data, sub-genic copy number gains are generally in tandem (PMID: 25640679). This variant is predicted to be in-frame, and likely preserves the integrity of the reading frame. This variant has not been reported in the literature in individuals with CD27-related conditions. Experimental studies and prediction algorithms are not available or were not evaluated, and the functional significance of this variant is currently unknown. In summary, the available evidence is currently insufficient to determine the role of this variant in disease. Therefore, it has been classified as a Variant of Uncertain Significance.

Literature cited by the submitters: PubMed 25640679.

NC_000012.11:g.(?_6559319)_(6559816_?)dup

Gene: CD27 (CD27 molecule; plus strand). Cytogenetic location: 12p13.31.
Variant type: Duplication.
Identifiers: ClinVar variation 1466434 (VCV001466434.4).